The following is an entry in ClinVar:

NM_000080.4(CHRNE):c.557G>A (p.Gly186Asp)

Genes: C17orf107 (chromosome 17 open reading frame 107; plus strand), CHRNE (cholinergic receptor nicotinic epsilon subunit; minus strand). Cytogenetic location: 17p13.2.
Variant type: single nucleotide variant.
Coding change: c.557G>A on transcript NM_000080.4 (MANE Select); coding-DNA position 557, G replaced by A.
Protein change: p.Gly186Asp; replaces glycine 186 with aspartic acid.
Molecular consequence: missense variant. On other transcripts: 3 prime UTR variant (1).
Genome position (GRCh38, 1-based): chr17:4,901,569, C>T on the plus strand (G>A on the coding strand, the complement: CHRNE is on the minus strand). VCF-style: chr17-4901569-C-T. GRCh37 (hg19) VCF-style: chr17-4804864-C-T.
Other names: c.*1036C>T (NM_001145536.2); short protein forms G186D.
Identifiers: ClinVar variation 452111 (VCV000452111.6), dbSNP rs1279921545, ClinGen allele CA397305904.
Genomic context (GRCh38, chr17:4,901,569, plus strand): 5'-CAGGCAGGGGCTTCACCAGTATAGGCCTCTGTGTCGATGTCGATCTTGTTGATGGTCTTG[C>T]CGTCGTTGTCTACGGCAAAAGTGAACTCCACCTCTTCGGCATTGTACGTCTGAGAGCTGC-3'
Protein context (NP_000071.1, residues 176-196): VEFTFAVDND[Gly186Asp]KTINKIDIDT

ClinVar aggregate classification (germline): Uncertain significance. Review status: criteria provided, multiple submitters, no conflicts (2 of 4 stars). 3 submissions from 3 submitters: Uncertain significance (2). 1 of the submissions does not count toward it. Last evaluated 2023-08-17.

Conditions:
Congenital myasthenic syndrome (CMS). Also called: Congenital Myasthenic Syndromes. Identifiers: Orphanet 590, MedGen C0751882, MeSH D020294, MONDO:0018940.
Congenital myasthenic syndrome 4A. Also called: MYASTHENIC SYNDROME, CONGENITAL, 4A, SLOW-CHANNEL, AUTOSOMAL RECESSIVE; CONGENITAL MYASTHENIC SYNDROME TYPE Ia1; Myasthenic syndrome, congenital, 4a, slow-channel. Identifiers: Orphanet 590, MedGen C4225413, MONDO:0011600, OMIM 605809.

Allele frequency attached by ClinVar (database versions not stated): gnomAD exomes below 0.00001 and 0.00002; TOPMed below 0.00001.
gnomAD v4.1: 5 of 1,614,168 alleles (0.00031%); highest among the groups gnomAD compares: Admixed American, 0.005%; no homozygotes.

Submissions (3):

Labcorp Genetics (formerly Invitae), Labcorp
Classification: Uncertain significance for Congenital myasthenic syndrome 4A. Last evaluated: 2023-08-17. Review status: criteria provided, single submitter. Criteria: Invitae Variant Classification Sherloc (09022015). Collection method: clinical testing. Allele origin: germline.
Comment: This sequence change replaces glycine, which is neutral and non-polar, with aspartic acid, which is acidic and polar, at codon 186 of the CHRNE protein (p.Gly186Asp). In summary, the available evidence is currently insufficient to determine the role of this variant in disease. Therefore, it has been classified as a Variant of Uncertain Significance. Advanced modeling of protein sequence and biophysical properties (such as structural, functional, and spatial information, amino acid conservation, physicochemical variation, residue mobility, and thermodynamic stability) performed at Invitae indicates that this missense variant is not expected to disrupt CHRNE protein function. ClinVar contains an entry for this variant (Variation ID: 452111). This variant has not been reported in the literature in individuals affected with CHRNE-related conditions. This variant is present in population databases (no rsID available, gnomAD 0.006%).

GeneDx
Classification: Uncertain significance. Last evaluated: 2019-10-08. Review status: criteria provided, single submitter. Criteria: GeneDx Variant Classification Process June 2021. Collection method: clinical testing. Allele origin: germline. Affected: yes.
Comment: Not observed at a significant frequency in large population cohorts (Lek et al., 2016); In silico analysis, which includes protein predictors and evolutionary conservation, supports a deleterious effect; Has not been previously published as pathogenic or benign to our knowledge

Natera, Inc.
Classification: Uncertain significance for Congenital myasthenic syndrome. Last evaluated: 2019-10-28. Review status: no assertion criteria provided. Collection method: clinical testing. Allele origin: germline. Not counted in ClinVar's aggregate classification.